The following is an entry in ClinVar:

ClinVar aggregate classification (germline): Uncertain significance (1 of 4 stars; one submission).

Conditions:
Fanconi anemia (FA). Also called: Fanconi's anemia. Identifiers: Orphanet 84, MedGen C0015625, MeSH D005199, MONDO:0019391.

Allele frequency attached by ClinVar (database versions not stated): gnomAD 0.00001; TOPMed 0.00002.
gnomAD v4.1: 4 of 1,613,224 alleles (0.00025%); highest among the groups gnomAD compares: African/African-American, 0.0053%; no homozygotes.

Submission:

Labcorp Genetics (formerly Invitae), Labcorp
Classification: Uncertain significance for Fanconi anemia. Last evaluated: 2023-08-31. Review status: criteria provided, single submitter. Criteria: Invitae Variant Classification Sherloc (09022015). Collection method: clinical testing. Allele origin: germline.
Comment: This variant is not present in population databases (gnomAD no frequency). This sequence change replaces serine, which is neutral and polar, with asparagine, which is neutral and polar, at codon 1064 of the FANCM protein (p.Ser1064Asn). This variant has not been reported in the literature in individuals affected with FANCM-related conditions. In summary, the available evidence is currently insufficient to determine the role of this variant in disease. Therefore, it has been classified as a Variant of Uncertain Significance. Algorithms developed to predict the effect of missense changes on protein structure and function output the following: SIFT: "Not Available"; PolyPhen-2: "Benign"; Align-GVGD: "Not Available". The asparagine amino acid residue is found in multiple mammalian species, which suggests that this missense change does not adversely affect protein function.

NM_020937.4(FANCM):c.3191G>A (p.Ser1064Asn)

Gene: FANCM (FA complementation group M; plus strand). Cytogenetic location: 14q21.2.
Variant type: single nucleotide variant.
Coding change: c.3191G>A on transcript NM_020937.4 (MANE Select); coding-DNA position 3191, G replaced by A.
Protein change: p.Ser1064Asn; replaces serine 1064 with asparagine.
Molecular consequence: missense variant.
Genome position (GRCh38, 1-based): chr14:45,175,945, G>A. VCF-style: chr14-45175945-G-A. GRCh37 (hg19) VCF-style: chr14-45645148-G-A.
Other names: c.3113G>A, p.Ser1038Asn (NM_001308133.2); short protein forms S1038N, S1064N.
Identifiers: ClinVar variation 2713364 (VCV002713364.3), dbSNP rs1003621377, ClinGen allele CA259628135.